The following is an entry in ClinVar:

NM_002354.3(EPCAM):c.362C>G (p.Thr121Ser)

Gene: EPCAM (epithelial cell adhesion molecule; plus strand). Cytogenetic location: 2p21.
Variant type: single nucleotide variant.
Coding change: c.362C>G on transcript NM_002354.3 (MANE Select); coding-DNA position 362, C replaced by G.
Protein change: p.Thr121Ser; replaces threonine 121 with serine.
Molecular consequence: missense variant.
Genome position (GRCh38, 1-based): chr2:47,373,985, C>G. VCF-style: chr2-47373985-C-G. GRCh37 (hg19) VCF-style: chr2-47601124-C-G.
Other names: short protein forms T121S.
Identifiers: ClinVar variation 1733389 (VCV001733389.2), dbSNP rs906837557, ClinGen allele CA46691905.

ClinVar aggregate classification (germline): Uncertain significance (1 of 4 stars; one submission).

Conditions:
Hereditary cancer-predisposing syndrome. Also called: Neoplastic Syndromes, Hereditary; Tumor predisposition; Hereditary Cancer Syndrome; Hereditary neoplastic syndrome. Identifiers: Orphanet 140162, MedGen C0027672, MeSH D009386, MONDO:0015356.

gnomAD v4.1: 4 of 1,614,164 alleles (0.00025%); highest among the groups gnomAD compares: South Asian, 0.0044%; no homozygotes.

Submission:

Ambry Genetics
Classification: Uncertain significance for Hereditary cancer-predisposing syndrome. Last evaluated: 2022-09-04. Review status: criteria provided, single submitter. Criteria: Ambry Variant Classification Scheme 2023. Collection method: clinical testing. Allele origin: germline.
Comment: The p.T121S variant (also known as c.362C>G), located in coding exon 3 of the EPCAM gene, results from a C to G substitution at nucleotide position 362. The threonine at codon 121 is replaced by serine, an amino acid with similar properties. This amino acid position is conserved. In addition, this alteration is predicted to be tolerated by in silico analysis. Since supporting evidence is limited at this time, the clinical significance of this alteration remains unclear.